The following is an entry in ClinVar:

ClinVar aggregate classification (germline): Benign. Review status: criteria provided, multiple submitters, no conflicts (2 of 4 stars). 3 submissions from 3 submitters: Benign (3). Last evaluated 2021-05-11.

Conditions:
DPAGT1-congenital disorder of glycosylation. Also called: CONGENITAL DISORDER OF GLYCOSYLATION, TYPE Ij; CDG Ij; DPAGT1-CDG. Identifiers: Orphanet 86309, MedGen C2931004, MONDO:0011964, OMIM 608093.

Allele frequency attached by ClinVar (database versions not stated): 1000 Genomes Project 30x 0.26749; 1000 Genomes Project 0.27256; TOPMed 0.28959; gnomAD 0.29923 and 0.29961; gnomAD exomes 0.32888.
gnomAD v4.1: 96,676 of 306,606 alleles (32%); highest among the groups gnomAD compares: East Asian, 49%; 16,986 homozygotes.

Submissions (3):

GeneDx
Classification: Benign. Last evaluated: 2021-05-11. Review status: criteria provided, single submitter. Criteria: GeneDx Variant Classification Process June 2021. Collection method: clinical testing. Allele origin: germline. Affected: yes.

Illumina Laboratory Services, Illumina
Classification: Benign for DPAGT1-congenital disorder of glycosylation. Last evaluated: 2018-01-12. Review status: criteria provided, single submitter. Criteria: ICSL Variant Classification Criteria 13 December 2019. Collection method: clinical testing. Allele origin: germline.
Comment: This variant was observed in the ICSL laboratory as part of a predisposition screen in an ostensibly healthy population. It had not been previously curated by ICSL or reported in the Human Gene Mutation Database (HGMD: prior to June 1st, 2018), and was therefore a candidate for classification through an automated scoring system. Utilizing variant allele frequency, disease prevalence and penetrance estimates, and inheritance mode, an automated score was calculated to assess if this variant is too frequent to cause the disease. Based on the score and internal cut-off values, a variant classified as benign is not then subjected to further curation. The score for this variant resulted in a classification of benign for this disease.

Breakthrough Genomics
Classification: Benign. Review status: criteria provided, single submitter. Criteria: ACMG Guidelines, 2015. Collection method: not provided. Allele origin: germline. Inheritance: Autosomal recessive inheritance. Affected: yes.

NM_001382.4(DPAGT1):c.*417T>C

Gene: DPAGT1 (dolichyl-phosphate N-acetylglucosaminephosphotransferase 1; minus strand). Cytogenetic location: 11q23.3.
Variant type: single nucleotide variant.
Coding change: c.*417T>C on transcript NM_001382.4 (MANE Select); 417 bases downstream of the stop codon, T replaced by C.
Molecular consequence: 3 prime UTR variant.
Genome position (GRCh38, 1-based): chr11:119,096,581, A>G on the plus strand (T>C on the coding strand, the complement: DPAGT1 is on the minus strand). VCF-style: chr11-119096581-A-G. GRCh37 (hg19) VCF-style: chr11-118967291-A-G.
Identifiers: ClinVar variation 302741 (VCV000302741.9), dbSNP rs7759, ClinGen allele CA10637810.